The following is an entry in ClinVar:

ClinVar aggregate classification (germline): Likely benign. Review status: criteria provided, multiple submitters, no conflicts (2 of 4 stars). 2 submissions from 2 submitters: Likely benign (2). Last evaluated 2026-05-16.

Conditions:
HNF1B-related disorder. Also called: HNF1B-related condition; HNF1B-related disorders.

Submissions (2):

PreventionGenetics, part of Exact Sciences
Classification: Likely benign for HNF1B-related condition. Last evaluated: 2026-05-16. Review status: criteria provided, single submitter. Criteria: ACMG Guidelines, 2015. Collection method: clinical testing. Allele origin: germline.
Comment: This variant is classified as likely benign based on ACMG/AMP sequence variant interpretation guidelines (Richards et al. 2015 PMID: 25741868, with internal and published modifications).

Labcorp Genetics (formerly Invitae), Labcorp
Classification: Likely benign. Last evaluated: 2024-07-17. Review status: criteria provided, single submitter. Criteria: Invitae Variant Classification Sherloc (09022015). Collection method: clinical testing. Allele origin: germline.

NM_000458.4(HNF1B):c.483G>A (p.Lys161=)

Gene: HNF1B (HNF1 homeobox B; minus strand). Cytogenetic location: 17q12.
Variant type: single nucleotide variant.
Coding change: c.483G>A on transcript NM_000458.4 (MANE Select); coding-DNA position 483, G replaced by A.
Protein change: p.Lys161=; no amino-acid change (lysine 161 retained).
Molecular consequence: synonymous variant.
Genome position (GRCh38, 1-based): chr17:37,739,501, C>T on the plus strand (G>A on the coding strand, the complement: HNF1B is on the minus strand). VCF-style: chr17-37739501-C-T. GRCh37 (hg19) VCF-style: chr17-36099492-C-T.
Other names: c.483G>A, p.Lys161= (NM_001165923.4, NM_001304286.2, NM_001411100.1); c.483G>A (NM_000458.3).
Identifiers: ClinVar variation 3730395 (VCV003730395.3).